The following is an entry in ClinVar:

ClinVar aggregate classification (germline): Uncertain significance (1 of 4 stars; one submission).

Submission:

Labcorp Genetics (formerly Invitae), Labcorp
Classification: Uncertain significance. Last evaluated: 2021-03-24. Review status: criteria provided, single submitter. Criteria: Invitae Variant Classification Sherloc (09022015). Collection method: clinical testing. Allele origin: germline.
Comment: In summary, the available evidence is currently insufficient to determine the role of this variant in disease. Therefore, it has been classified as a Variant of Uncertain Significance. Algorithms developed to predict the effect of missense changes on protein structure and function are either unavailable or do not agree on the potential impact of this missense change (SIFT: "Not Available"; PolyPhen-2: "Possibly Damaging"; Align-GVGD: "Not Available"). This variant has not been reported in the literature in individuals with CTSB-related conditions. This variant is not present in population databases (ExAC no frequency). This sequence change replaces tyrosine with cysteine at codon 54 of the CTSB protein (p.Tyr54Cys). The tyrosine residue is highly conserved and there is a large physicochemical difference between tyrosine and cysteine.

NM_001908.5(CTSB):c.161A>G (p.Tyr54Cys)

Gene: CTSB (cathepsin B). Cytogenetic location: 8p23.1.
Variant type: single nucleotide variant.
Coding change: c.161A>G on transcript NM_001908.5 (MANE Select); coding-DNA position 161, A replaced by G.
Protein change: p.Tyr54Cys; replaces tyrosine 54 with cysteine.
Molecular consequence: missense variant. On other transcripts: 5 prime UTR variant (1).
Genome position (GRCh38, 1-based): chr8:11,852,661, T>C on the plus strand (A>G on the coding strand, the complement: CTSB is on the minus strand). VCF-style: chr8-11852661-T-C. GRCh37 (hg19) VCF-style: chr8-11710170-T-C.
Other names: c.-93A>G (NM_001317237.2); c.161A>G, p.Tyr54Cys (NM_001384714.1, NM_001384723.1, NM_001384724.1 and 8 more transcripts); short protein forms Y54C.
Identifiers: ClinVar variation 1352804 (VCV001352804.6), dbSNP rs2131052723, ClinGen allele CA370322529.